The following is an entry in ClinVar:

NM_000384.3(APOB):c.7904A>C (p.Asp2635Ala)

Gene: APOB (apolipoprotein B; minus strand). Cytogenetic location: 2p24.1.
Variant type: single nucleotide variant.
Coding change: c.7904A>C on transcript NM_000384.3 (MANE Select); coding-DNA position 7904, A replaced by C.
Protein change: p.Asp2635Ala; replaces aspartic acid 2635 with alanine.
Molecular consequence: missense variant.
Genome position (GRCh38, 1-based): chr2:21,008,964, T>G on the plus strand (A>C on the coding strand, the complement: APOB is on the minus strand). VCF-style: chr2-21008964-T-G. GRCh37 (hg19) VCF-style: chr2-21231836-T-G.
Other names: short protein forms D2635A.
Identifiers: ClinVar variation 5026586 (VCV005026586.1).

ClinVar aggregate classification (germline): Uncertain significance (1 of 4 stars; one submission).

Conditions:
Cardiovascular phenotype. Identifiers: MedGen CN230736.

gnomAD v4.1: 31 of 1,614,046 alleles (0.0019%); highest among the groups gnomAD compares: Non-Finnish European, 0.0026%; no homozygotes.

Submission:

Ambry Genetics
Classification: Uncertain significance for Cardiovascular phenotype. Last evaluated: 2026-07-02. Review status: criteria provided, single submitter. Criteria: Ambry Variant Classification Scheme 2023. Collection method: clinical testing. Allele origin: germline.
Comment: The p.D2635A variant (also known as c.7904A>C), located in coding exon 26 of the APOB gene, results from an A to C substitution at nucleotide position 7904. The aspartic acid at codon 2635 is replaced by alanine, an amino acid with dissimilar properties. This amino acid position is conserved. In addition, this alteration is predicted to be tolerated by in silico analysis. Based on the available evidence, the clinical significance of this variant remains unclear.